The following is an entry in ClinVar:

ClinVar aggregate classification (germline): Pathogenic (1 of 4 stars; one submission).

Submission:

Labcorp Genetics (formerly Invitae), Labcorp
Classification: Pathogenic. Last evaluated: 2022-08-30. Review status: criteria provided, single submitter. Criteria: Invitae Variant Classification Sherloc (09022015). Collection method: clinical testing. Allele origin: germline.
Comment: This sequence change creates a premature translational stop signal (p.Leu548Tyrfs*12) in the ARMC9 gene. It is expected to result in an absent or disrupted protein product. Loss-of-function variants in ARMC9 are known to be pathogenic (PMID: 28625504). This variant is not present in population databases (gnomAD no frequency). This variant has not been reported in the literature in individuals affected with ARMC9-related conditions. For these reasons, this variant has been classified as Pathogenic.

Literature cited by the submitters: PubMed 28625504.

NM_001352754.2(ARMC9):c.1642del (p.Leu548fs)

Gene: ARMC9 (armadillo repeat containing 9; plus strand). Cytogenetic location: 2q37.1.
Variant type: Deletion.
Coding change: c.1642del on transcript NM_001352754.2 (MANE Select); coding-DNA position 1642, one base deleted (C; older notation c.1642delC).
Protein change: p.Leu548fs; shifts the reading frame from leucine 548.
Molecular consequence: frameshift variant. On other transcripts: non-coding transcript variant (1).
Genome position (GRCh38, 1-based): chr2:231,291,368, C deleted; the last of 2 consecutive C bases (chr2:231,291,367-231,291,368); deleting either gives the same sequence. VCF-style (leftmost placement, unchanged base first): chr2-231291366-TC-T. GRCh37 (hg19) VCF-style: chr2-232156079-TC-T.
Other names: c.1642del, p.Leu548fs (NM_001271466.4, NM_001291656.2, NM_001352755.2 and 3 more transcripts); c.1543del, p.Leu515fs (NM_001352757.2, NM_001352758.2); short protein forms L515fs, L548fs.
Identifiers: ClinVar variation 2024802 (VCV002024802.4), dbSNP rs2469837328, ClinGen allele CA2580066002.